The following is an entry in ClinVar:

NM_000718.4(CACNA1B):c.3236A>G (p.His1079Arg)

Gene: CACNA1B (calcium voltage-gated channel subunit alpha1 B; plus strand). Cytogenetic location: 9q34.3.
Variant type: single nucleotide variant.
Coding change: c.3236A>G on transcript NM_000718.4 (MANE Select); coding-DNA position 3236, A replaced by G.
Protein change: p.His1079Arg; replaces histidine 1079 with arginine.
Molecular consequence: missense variant.
Genome position (GRCh38, 1-based): chr9:138,025,122, A>G. VCF-style: chr9-138025122-A-G. GRCh37 (hg19) VCF-style: chr9-140919574-A-G.
Other names: c.3236A>G, p.His1079Arg (NM_001243812.2); short protein forms H1079R.
Identifiers: ClinVar variation 2128062 (VCV002128062.4), dbSNP rs1400183099, ClinGen allele CA375811113.
Genomic context (GRCh38, chr9:138,025,122, plus strand): 5'-ACAATCAGCGGAACGTCACTCGCATGGGCAGTCAGCCCCCAGACCCGAACACTATTGTAC[A>G]TATCCCAGTGATGCTGACGGGCCCTCTTGGGGAAGCCACGGTCGTTCCCAGTGAGTATCT-3'
Protein context (NP_000709.1, residues 1069-1089): SQPPDPNTIV[His1079Arg]IPVMLTGPLG

ClinVar aggregate classification (germline): Uncertain significance (1 of 4 stars; one submission).

Submission:

Labcorp Genetics (formerly Invitae), Labcorp
Classification: Uncertain significance. Last evaluated: 2022-04-19. Review status: criteria provided, single submitter. Criteria: Invitae Variant Classification Sherloc (09022015). Collection method: clinical testing. Allele origin: germline.
Comment: Algorithms developed to predict the effect of sequence changes on RNA splicing suggest that this variant may create or strengthen a splice site. In summary, the available evidence is currently insufficient to determine the role of this variant in disease. Therefore, it has been classified as a Variant of Uncertain Significance. Advanced modeling of protein sequence and biophysical properties (such as structural, functional, and spatial information, amino acid conservation, physicochemical variation, residue mobility, and thermodynamic stability) performed at Invitae indicates that this missense variant is not expected to disrupt CACNA1B protein function. This sequence change replaces histidine, which is basic and polar, with arginine, which is basic and polar, at codon 1079 of the CACNA1B protein (p.His1079Arg). This variant is not present in population databases (gnomAD no frequency). This variant has not been reported in the literature in individuals affected with CACNA1B-related conditions.